The following is an entry in ClinVar:

NM_001999.4(FBN2):c.8681A>G (p.Tyr2894Cys)

Gene: FBN2 (fibrillin 2; minus strand). Cytogenetic location: 5q23.3.
Variant type: single nucleotide variant.
Coding change: c.8681A>G on transcript NM_001999.4 (MANE Select); coding-DNA position 8681, A replaced by G.
Protein change: p.Tyr2894Cys; replaces tyrosine 2894 with cysteine.
Molecular consequence: missense variant.
Genome position (GRCh38, 1-based): chr5:128,259,513, T>C on the plus strand (A>G on the coding strand, the complement: FBN2 is on the minus strand). VCF-style: chr5-128259513-T-C. GRCh37 (hg19) VCF-style: chr5-127595205-T-C.
Other names: short protein forms Y2894C.
Identifiers: ClinVar variation 935217 (VCV000935217.12), dbSNP rs779659640, ClinGen allele CA3393768.

ClinVar aggregate classification (germline): Uncertain significance. Review status: criteria provided, multiple submitters, no conflicts (2 of 4 stars). 3 submissions from 3 submitters: Uncertain significance (3). Last evaluated 2025-12-16.

Conditions:
Congenital contractural arachnodactyly (CCA). Also called: BEALS SYNDROME; Beals-Hecht syndrome; Arthrogryposis, distal, type 9. Identifiers: Orphanet 115, MedGen C0220668, MONDO:0007363, OMIM 121050.
Familial thoracic aortic aneurysm and aortic dissection (TAAD). Also called: Thoracic aortic aneurysms and dissections. Identifiers: Orphanet 91387, MedGen C4707243, MONDO:0019625.

Allele frequency attached by ClinVar (database versions not stated): ExAC 0.00001; TOPMed 0.00006; gnomAD exomes below 0.00001.
gnomAD v4.1: 15 of 1,613,782 alleles (0.00093%); highest among the groups gnomAD compares: Middle Eastern, 0.017%; no homozygotes.

Submissions (3):

Ambry Genetics
Classification: Uncertain significance for Familial thoracic aortic aneurysm and aortic dissection. Last evaluated: 2025-12-16. Review status: criteria provided, single submitter. Criteria: Ambry Variant Classification Scheme 2023. Collection method: clinical testing. Allele origin: germline.
Comment: The p.Y2894C variant (also known as c.8681A>G), located in coding exon 65 of the FBN2 gene, results from an A to G substitution at nucleotide position 8681. The tyrosine at codon 2894 is replaced by cysteine, an amino acid with highly dissimilar properties. This amino acid position is highly conserved in available vertebrate species. In addition, the in silico prediction for this alteration is inconclusive. Since supporting evidence is limited at this time, the clinical significance of this alteration remains unclear.

GeneDx
Classification: Uncertain significance. Last evaluated: 2022-11-14. Review status: criteria provided, single submitter. Criteria: GeneDx Variant Classification Process June 2021. Collection method: clinical testing. Allele origin: germline. Affected: yes.
Comment: Not observed at significant frequency in large population cohorts (gnomAD); In silico analysis supports that this missense variant has a deleterious effect on protein structure/function; Has not been previously published as pathogenic or benign to our knowledge

Labcorp Genetics (formerly Invitae), Labcorp
Classification: Uncertain significance for Congenital contractural arachnodactyly. Last evaluated: 2021-07-07. Review status: criteria provided, single submitter. Criteria: Invitae Variant Classification Sherloc (09022015). Collection method: clinical testing. Allele origin: germline.
Comment: This sequence change replaces tyrosine with cysteine at codon 2894 of the FBN2 protein (p.Tyr2894Cys). The tyrosine residue is highly conserved and there is a large physicochemical difference between tyrosine and cysteine. The frequency data for this variant in the population databases is considered unreliable, as metrics indicate poor data quality at this position in the ExAC database. This variant has not been reported in the literature in individuals with FBN2-related conditions. Algorithms developed to predict the effect of missense changes on protein structure and function (SIFT, PolyPhen-2, Align-GVGD) all suggest that this variant is likely to be disruptive, but these predictions have not been confirmed by published functional studies and their clinical significance is uncertain. In summary, the available evidence is currently insufficient to determine the role of this variant in disease. Therefore, it has been classified as a Variant of Uncertain Significance.